The following is an entry in ClinVar:

NM_003632.3(CNTNAP1):c.3568+10G>A

Gene: CNTNAP1 (contactin associated protein 1; plus strand). Cytogenetic location: 17q21.2.
Variant type: single nucleotide variant.
Coding change: c.3568+10G>A on transcript NM_003632.3 (MANE Select); 10 bases into the intron after coding-DNA position 3568, G replaced by A.
Molecular consequence: intron variant.
Genome position (GRCh38, 1-based): chr17:42,697,377, G>A. VCF-style: chr17-42697377-G-A. GRCh37 (hg19) VCF-style: chr17-40849395-G-A.
Identifiers: ClinVar variation 1935939 (VCV001935939.7), dbSNP rs2053164874, ClinGen allele CA983847244.

ClinVar aggregate classification (germline): Uncertain significance. Review status: criteria provided, multiple submitters, no conflicts (2 of 4 stars). 2 submissions from 2 submitters: Uncertain significance (2). Last evaluated 2023-03-08.

Allele frequency attached by ClinVar (database versions not stated): gnomAD exomes 0.00001; TOPMed 0.00001; gnomAD 0.00002.
gnomAD v4.1: 14 of 1,613,618 alleles (0.00087%); highest among the groups gnomAD compares: East Asian, 0.0022%; no homozygotes.

Submissions (2):

Revvity Omics, Revvity
Classification: Uncertain significance. Last evaluated: 2023-03-08. Review status: criteria provided, single submitter. Criteria: ACMG Guidelines, 2015. Collection method: clinical testing. Allele origin: germline.

Labcorp Genetics (formerly Invitae), Labcorp
Classification: Uncertain significance. Last evaluated: 2022-03-23. Review status: criteria provided, single submitter. Criteria: Invitae Variant Classification Sherloc (09022015). Collection method: clinical testing. Allele origin: germline.
Comment: This variant is not present in population databases (gnomAD no frequency). This variant has not been reported in the literature in individuals affected with CNTNAP1-related conditions. Algorithms developed to predict the effect of sequence changes on RNA splicing suggest that this variant may create or strengthen a splice site. In summary, the available evidence is currently insufficient to determine the role of this variant in disease. Therefore, it has been classified as a Variant of Uncertain Significance. This sequence change falls in intron 21 of the CNTNAP1 gene. It does not directly change the encoded amino acid sequence of the CNTNAP1 protein.